The following is an entry in ClinVar:

NM_000517.4(HBA2):c.427T>C (p.Ter143Gln)

Genes: HBA1 (hemoglobin subunit alpha 1; plus strand), HBA2 (hemoglobin subunit alpha 2; plus strand), LOC106804612 (hemoglobin subunit alpha 2 recombination region; plus strand). Cytogenetic location: 16p13.3.
Variant type: single nucleotide variant.
Coding change: c.427T>C on transcript NM_000517.4; coding-DNA position 427, T replaced by C.
Protein change: p.Ter143Gln.
Molecular consequence: stop lost (on NM_000517.6).
Genome position (GRCh38, 1-based): chr16:173,598, T>C. VCF-style: chr16-173598-T-C. GRCh37 (hg19) VCF-style: chr16-223597-T-C.
Other names: *142Q; *143Q; Alpha2 142, Stop>Gln; NM_000517.4(HBA2):c.427T>C; p.Ter143Gln; c.427T>C, p.Ter143Gln (NM_000517.6); c.427T>C (NM_000517.5).
Identifiers: ClinVar variation 15624 (VCV000015624.75), dbSNP rs41464951, ClinGen allele CA125546.
Genomic context (GRCh38, chr16:173,598, plus strand): 5'-CACGCCTCCCTGGACAAGTTCCTGGCTTCTGTGAGCACCGTGCTGACCTCCAAATACCGT[T>C]AAGCTGGAGCCTCGGTAGCCGTTCCTCCTGCCCGCTGGGCCTCCCAACGGGCCCTCCTCC-3'

ClinVar aggregate classification (germline): Pathogenic. Review status: reviewed by expert panel (3 of 4 stars). 20 submissions from 19 submitters: Pathogenic (1). 19 of the submissions do not count toward it. Last evaluated 2026-04-08.

Conditions:
HBA2-related alpha thalassemia spectrum. Identifiers: MedGen CN377749, MONDO:0100562.
HBA2-related disorders.
Erythrocytosis, familial, 7. Also called: ERYTHROCYTOSIS 7; ERYTHROCYTOSIS, ALPHA-GLOBIN TYPE; POLYCYTHEMIA, ALPHA-GLOBIN TYPE. Identifiers: MedGen C4693823, MONDO:0054802, OMIM 617981.
alpha Thalassemia. Also called: Alpha thalassemia spectrum. Identifiers: Orphanet 846, MedGen C0002312, MONDO:0011399, OMIM 604131.
Heinz body anemia. Also called: Heinz body hemolytic anemia. Identifiers: Orphanet 178330, MedGen C0700299, MONDO:0007705, OMIM 140700, HP:0005511.
Hemoglobin H disease (HBH). Also called: ALPHA-THALASSEMIA, HEMOGLOBIN H TYPE; HEMOGLOBIN H DISEASE, DELETIONAL; Hemoglobin H (HbH) Disease. Identifiers: Orphanet 93616, MedGen C3161174, MONDO:0013512, OMIM 613978. Disease mechanism: loss of function.
Hemoglobin H disease, nondeletional. Identifiers: MedGen C3279561.
Hemoglobin constant spring. Identifiers: MedGen C3891114.

Allele frequency attached by ClinVar (database versions not stated): 1000 Genomes Project 30x 0.00016; 1000 Genomes Project 0.00020; ExAC 0.00005; gnomAD exomes 0.00006.
gnomAD v4.1: 36 of 1,608,260 alleles (0.0022%); highest among the groups gnomAD compares: East Asian, 0.033%; 1 homozygote.

Submissions 1 to 7 of 20:

ClinGen Hemoglobinopathy Variant Curation Expert Panel, ClinGen
Classification: Pathogenic for HBA2-related alpha thalassemia spectrum. Last evaluated: 2026-04-08. Review status: reviewed by expert panel. Criteria: ClinGen Hb Opathy ACMG Specifications HBA2 V1.0.0. Collection method: curation. Allele origin: germline. Inheritance: Autosomal recessive inheritance.
Comment: The NM_000517.6(HBA2):c.427T>C variant is a stop lost variant predicted to cause a change in length of the protein [p.Ter143Gln] due to an in-frame insertion of 31 amino acids in a non-repeat region [PM4]. This variant has been detected in 4 individuals with HbH disease (together with α0) and 13 individuals with a thalassemia intermedia phenotype with mild/moderate anemia (together with α+ or homozygous). Of those individuals, 7 were compound heterozygous for the variant and a pathogenic variant (α0 --SEA, --MEDI, --CAL, or α+-α3.7), confirmed in trans by DNA studies, and 10 individuals were homozygous for the variant. Total PM3 points are 8 [PM3_VS; PMID: 11146568; 26683994; 17164653]. The variant has been reported to segregate with a thalassemia intermedia phenotype (mild/moderate anemia with jaundice and/or hepatosplenomegaly) in 11 individuals and with severe fetal anemia and hydropic changes in 1 individual from 7 families. The total number of unaffected segregations is 6, giving a LOD score >7 [PP1_S; PMID: 7327587; 17164653]. CM-cellulose chromatography and gel electrophoresis assays showed variable amounts of this variant hemoglobin in both heterozygotes (1-2%) [PMID: 4944483] and homozygotes (2.57-11.54%) [PMID: 7327587], indicating that it impacts protein function [PS3_P]. The computational predictor CADD gives a PHRED score of 13.98, which is above the VCEP threshold >12, providing evidence that it impacts HBA2 function [PP3]. The minor allele frequency in gnomAD v4.1 is 0.00002238 (36/1608260), which is lower than the ClinGen Hemoglobinopathy VCEP threshold <0.0001 for PM2_Supporting, and therefore meets this criterion [PM2_P]. In summary, this variant meets the criteria to be classified as pathogenic for HBA2-related alpha thalassemia spectrum (MONDO:0100562) in an autosomal recessive manner based on the ACMG/AMP criteria applied, as specified by the ClinGen Hemoglobinopathy VCEP (specification version 1.0.0): PM3_VS, PP1_S, PM4, PS3_P, PM2_P, PP3.

Labcorp Genetics (formerly Invitae), Labcorp
Classification: Pathogenic. Last evaluated: 2026-01-20. Review status: criteria provided, single submitter. Criteria: Invitae Variant Classification Sherloc (09022015). Collection method: clinical testing. Allele origin: germline. Not counted in ClinVar's aggregate classification.
Comment: This sequence change disrupts the translational stop signal of the HBA2 mRNA. It is expected to extend the length of the HBA2 protein by 31 additional amino acid residues. This variant is present in population databases (rs41464951, gnomAD 0.07%). This protein extension has been observed in individual(s) with HBA2-related conditions (PMID: 2298455, 4944483, 12393486, 20507641). It is commonly reported in individuals of Southeast Asian ancestry (PMID: 2298455, 4944483, 12393486, 20507641). This variant is also known as Constant Spring. ClinVar contains an entry for this variant (Variation ID: 15624). Algorithms developed to predict the effect of variants on gene product structure and function are not available or were not evaluated for this variant. Experimental studies have shown that this protein extension affects HBA2 function (PMID: 6725554, 9057661). Algorithms developed to predict the effect of sequence changes on RNA splicing suggest that this variant may create or strengthen a splice site. For these reasons, this variant has been classified as Pathogenic.

3billion
Classification: Pathogenic for alpha Thalassemia. Last evaluated: 2025-12-11. Review status: criteria provided, single submitter. Criteria: ACMG Guidelines, 2015. Collection method: clinical testing. Allele origin: germline. Affected: yes. Not counted in ClinVar's aggregate classification.
Comment: The variant is observed in the gnomAD v4.1.0 dataset (total allele frequency: 0.002%). Predicted Consequence/Location: Stop lost variant The variant has been reported to be in trans with a pathogenic variant as either compound heterozygous or homozygous in at least 2 similarly affected unrelated individuals (PMID: 26956449, 27271331). The variant has been reported at least twice as pathogenic with clinical assertions and evidence for the classification (ClinVar ID: VCV000015624 /PMID: 3177365 /3billion dataset). Therefore, this variant is classified as Pathogenic according to the recommendation of ACMG/AMP guideline.

Natera, Inc.
Classification: Pathogenic for Alpha thalassemia. Last evaluated: 2025-09-11. Review status: criteria provided, single submitter. Criteria: Natera Variant Classification Schema (03/2026). Collection method: clinical testing. Allele origin: germline. Not counted in ClinVar's aggregate classification.
Comment: The c.427T>C variant in HBA2 is a stop-loss variant predicted to disrupt the normal termination codon and extend translation beyond the canonical stop site. This variant is rare in the general population with a frequency below the threshold expected for the associated phenotype(s). This variant has been observed in one or more individuals affected with the associated recessive disease, as either homozygous or compound heterozygous with a second variant (PMID: 23614625, 24763232). Given the available evidence, this variant is classified as Pathogenic.

Genomic Medicine Center of Excellence, King Faisal Specialist Hospital and Research Centre
Classification: Pathogenic for Hemoglobin H disease. Last evaluated: 2025-09-10. Review status: criteria provided, single submitter. Criteria: ACMG Guidelines, 2015. Collection method: clinical testing. Allele origin: germline. Not counted in ClinVar's aggregate classification.

ARUP Laboratories, Molecular Genetics and Genomics, ARUP Laboratories
Classification: Pathogenic. Last evaluated: 2025-07-29. Review status: criteria provided, single submitter. Criteria: ARUP Molecular Germline Variant Investigation Process 2024. Collection method: clinical testing. Allele origin: germline. Not counted in ClinVar's aggregate classification.
Comment: The Hb Constant Spring variant (HbCS, HBA2: c.427T>C; p.Ter143Gln, also known as Ter142Gln when numbered from the mature protein, rs41464951, HbVar ID: 703) is usually asymptomatic in the heterozygous state, but may be associated with microcytosis and mild hypochromia. Homozygosity for HbCS is characterized by overt hemolytic anemia, jaundice and splenomegaly, while HbCS paired with an alpha zero-thalassemia deletion commonly results in HbH disease (Lie-Injo 1974, Nguyen 2014, HbVar database). This variant is reported in ClinVar (Variation ID: 15624), and is found in the general population with an overall allele frequency of 0.006% (16/279,508 alleles) in the Genome Aggregation Database. This variant abolishes the canonical termination codon, resulting in an unstable, elongated protein (HbVar database). Based on available information, the HbCS variant is considered to be pathogenic. References: Link to HbVar database: Lie-Injo L et al. Homozygous state for Hb Constant Spring (slow-moving Hb X components). Blood. 1974 Feb;43(2):251-9. PMID: 4810076. Nguyen V et al. Hemoglobin Constant Spring is markedly high in women of an ethnic minority group in Vietnam: a community-based survey and hematologic features. Blood Cells Mol Dis. 2014 Apr;52(4):161-5. PMID: 24368026.

GeneDx
Classification: Pathogenic. Last evaluated: 2025-04-03. Review status: criteria provided, single submitter. Criteria: GeneDx Variant Classification Process June 2021. Collection method: clinical testing. Allele origin: germline. Affected: yes. Not counted in ClinVar's aggregate classification.
Comment: Also known as Hb-CS, Hemoglobin-Constant Spring; The variant eliminates the normal Stop codon and replaces it with a Glutamine codon, ultimately extending the protein by 31 amino acids at the C-terminal end of the protein; This variant is associated with the following publications: (PMID: 24368026, 21077767, 24829075, 25523870, 23637094, 20931520, 3177365, 25897478, 26956449, 30626226, 30615015, 30275481, 34272389, 32925409, 32860378, 32338097, 26351923, 37311260, 31286593, 29627922, 35314707, 28244614, 28674233, 38167091, 7969150, 36282478, 6725554, 9057661, 26757782, 11836160)